The following is an entry in ClinVar:

ClinVar aggregate classification (germline): Pathogenic. Review status: reviewed by expert panel (3 of 4 stars). 3 submissions from 3 submitters: Pathogenic (1). 2 of the submissions do not count toward it. Last evaluated 2017-03-17.

Conditions:
CFTR-related disorder (CFTR-RD). Also called: CFTR-related disorders; CFTR-related condition. Identifiers: MedGen C5924204, MONDO:7770004.
Cystic fibrosis (CF). Also called: MUCOVISCIDOSIS. Identifiers: Orphanet 586, MedGen C0010674, MONDO:0009061, OMIM 219700. Disease mechanism: loss of function.

Submissions (3):

CFTR2
Classification: Pathogenic for Cystic fibrosis. Last evaluated: 2017-03-17. Review status: reviewed by expert panel. Criteria: Sosnay PR et al. (Nat Genet 2013). Collection method: research. Allele origin: germline. Affected: yes. Study: CFTR2.

Natera, Inc.
Classification: Likely pathogenic for CFTR-related disorders. Last evaluated: 2025-08-05. Review status: criteria provided, single submitter. Criteria: Natera Variant Classification Schema (03/2026). Collection method: clinical testing. Allele origin: germline. Not counted in ClinVar's aggregate classification.
Comment: The c.2989_3139del variant in CFTR is a frameshift variant predicted to shift the reading frame beginning at codon 997 and leads to a stop codon 13 codons downstream. This variant is expected to result in nonsense mediated decay, truncation, or a dysfunctional protein product. This variant is rare in the general population with a frequency below the threshold expected for the associated phenotype(s). Given the available evidence, this variant is classified as Likely Pathogenic.

Mendelics
Classification: Pathogenic for Cystic fibrosis. Last evaluated: 2018-11-05. Review status: criteria provided, single submitter. Criteria: Mendelics Assertion Criteria 2019. Collection method: clinical testing. Allele origin: unknown. Affected: yes. Not counted in ClinVar's aggregate classification.

NC_000007.14:g.117610519_117610669del

Genes: CFTR (CF transmembrane conductance regulator; plus strand), CFTR-AS2 (CFTR antisense RNA 2; minus strand), LOC111674472 (DNase I hypersensitive sites in introns 16 and 17a of CFTR; plus strand). Cytogenetic location: 7q31.2.
Variant type: Deletion.
Genome position: GRCh38: chr7:117,610,519-117,610,669. GRCh37 (hg19): chr7:117,250,573-117,250,723.
Other names: CFTRdele19; c.2989_3139del151 (NM_000492.3).
Identifiers: ClinVar variation 53616 (VCV000053616.4), dbSNP rs1562914028, ClinGen allele CA326999.